The following is an entry in ClinVar:

ClinVar aggregate classification (germline): Uncertain significance. Review status: criteria provided, multiple submitters, no conflicts (2 of 4 stars). 2 submissions from 2 submitters: Uncertain significance (2). Last evaluated 2025-08-31.

Conditions:
Inborn genetic diseases. Identifiers: MedGen C0950123, MeSH D030342.
Autosomal dominant childhood-onset proximal spinal muscular atrophy with contractures (SMALED2A). Also called: SPINAL MUSCULAR ATROPHY, LOWER EXTREMITY-PREDOMINANT, 2A, CHILDHOOD ONSET, AUTOSOMAL DOMINANT; Spinal muscular atrophy, lower extremity-predominant, 2A, autosomal dominant. Identifiers: Orphanet 363447, Orphanet 363454, MedGen C4747715, MONDO:0014121, OMIM 615290.

Allele frequency attached by ClinVar (database versions not stated): gnomAD exomes below 0.00001.

Submissions (2):

Labcorp Genetics (formerly Invitae), Labcorp
Classification: Uncertain significance for Autosomal dominant childhood-onset proximal spinal muscular atrophy with contractures. Last evaluated: 2025-08-31. Review status: criteria provided, single submitter. Criteria: Invitae Variant Classification Sherloc (09022015). Collection method: clinical testing. Allele origin: germline.
Comment: This sequence change replaces glutamine, which is neutral and polar, with lysine, which is basic and polar, at codon 370 of the BICD2 protein (p.Gln370Lys). This variant is not present in population databases (gnomAD no frequency). This variant has not been reported in the literature in individuals affected with BICD2-related conditions. ClinVar contains an entry for this variant (Variation ID: 1794213). Invitae Evidence Modeling of protein sequence and biophysical properties (such as structural, functional, and spatial information, amino acid conservation, physicochemical variation, residue mobility, and thermodynamic stability) indicates that this missense variant is not expected to disrupt BICD2 protein function with a negative predictive value of 80%. In summary, the available evidence is currently insufficient to determine the role of this variant in disease. Therefore, it has been classified as a Variant of Uncertain Significance.

Ambry Genetics
Classification: Uncertain significance for Inborn genetic diseases. Last evaluated: 2019-10-28. Review status: criteria provided, single submitter. Criteria: Ambry Variant Classification Scheme 2023. Collection method: clinical testing. Allele origin: germline.
Comment: The p.Q370K variant (also known as c.1108C>A), located in coding exon 5 of the BICD2 gene, results from a C to A substitution at nucleotide position 1108. The glutamine at codon 370 is replaced by lysine, an amino acid with similar properties. This amino acid position is highly conserved in available vertebrate species. In addition, the in silico prediction for this alteration is inconclusive. Since supporting evidence is limited at this time, the clinical significance of this alteration remains unclear.

NM_001003800.2(BICD2):c.1108C>A (p.Gln370Lys)

Gene: BICD2 (BICD cargo adaptor 2; minus strand). Cytogenetic location: 9q22.31.
Variant type: single nucleotide variant.
Coding change: c.1108C>A on transcript NM_001003800.2 (MANE Select); coding-DNA position 1108, C replaced by A.
Protein change: p.Gln370Lys; replaces glutamine 370 with lysine.
Molecular consequence: missense variant.
Genome position (GRCh38, 1-based): chr9:92,719,537, G>T on the plus strand (C>A on the coding strand, the complement: BICD2 is on the minus strand). VCF-style: chr9-92719537-G-T. GRCh37 (hg19) VCF-style: chr9-95481819-G-T.
Other names: c.1108C>A, p.Gln370Lys (NM_015250.4); short protein forms Q370K.
Identifiers: ClinVar variation 1794213 (VCV001794213.5), dbSNP rs2490448185, ClinGen allele CA374040722.